The following is an entry in ClinVar:

ClinVar aggregate classification (germline): Likely benign. Review status: criteria provided, single submitter (1 of 4 stars). 2 submissions from 2 submitters: Likely benign (1). 1 of the submissions does not count toward it. Last evaluated 2017-07-19.

Conditions:
AP4E1-related disorder. Also called: AP4E1-related condition.

Allele frequency attached by ClinVar (database versions not stated): TOPMed 0.00013.

Submissions (2):

GeneDx
Classification: Likely benign. Last evaluated: 2017-07-19. Review status: criteria provided, single submitter. Criteria: GeneDx Variant Classification (06012015). Collection method: clinical testing. Allele origin: germline. Affected: yes.
Comment: This variant is considered likely benign or benign based on one or more of the following criteria: it is a conservative change, it occurs at a poorly conserved position in the protein, it is predicted to be benign by multiple in silico algorithms, and/or has population frequency not consistent with disease.

PreventionGenetics, part of Exact Sciences
Classification: Likely benign for AP4E1-related condition. Last evaluated: 2023-08-30. Review status: no assertion criteria provided. Collection method: clinical testing. Allele origin: germline. Not counted in ClinVar's aggregate classification.
Comment: This variant is classified as likely benign based on ACMG/AMP sequence variant interpretation guidelines (Richards et al. 2015 PMID: 25741868, with internal and published modifications).

NM_007347.5(AP4E1):c.-37ATCGCGGGCGGCGGCGGC[3]

Gene: AP4E1 (adaptor related protein complex 4 subunit epsilon 1; plus strand). Cytogenetic location: 15q21.2.
Variant type: Microsatellite.
Coding change: c.-37ATCGCGGGCGGCGGCGGC[3] on transcript NM_007347.5 (MANE Select); three copies in a row of the 18-base unit ATCGCGGGCGGCGGCGGC starting at c.-37; the reference has two copies in a row; one copy, 18 bases duplicated.
Molecular consequence: 5 prime UTR variant.
Genome position (GRCh38, 1-based): chr15:50,908,760-50,908,777, ATCGCGGGCGGCGGCGGC duplicated; duplicating any 18 consecutive bases within chr15:50,908,742-50,908,777 gives the same sequence; the position shown is the placement nearest the transcript's 3' end. VCF-style (leftmost placement, unchanged base first): chr15-50908741-G-GATCGCGGGCGGCGGCGGC. GRCh37 (hg19) VCF-style: chr15-51200938-G-GATCGCGGGCGGCGGCGGC.
Other names: c.-285ATCGCGGGCGGCGGCGGC[3] (NM_001252127.2).
Identifiers: ClinVar variation 506560 (VCV000506560.3), dbSNP rs745897561, ClinGen allele CA7558605.